The following is an entry in ClinVar:

ClinVar aggregate classification (germline): Uncertain significance (1 of 4 stars; one submission).

Conditions:
Intellectual developmental disorder, autosomal dominant 64. Also called: MENTAL RETARDATION, AUTOSOMAL DOMINANT 64. Identifiers: MedGen C5543067, MONDO:0030934, OMIM 619188.

Submission:

Neuberg Centre For Genomic Medicine, NCGM
Classification: Uncertain significance for Intellectual developmental disorder, autosomal dominant 64. Review status: criteria provided, single submitter. Criteria: ACMG Guidelines, 2015. Collection method: clinical testing. Allele origin: germline. Inheritance: Autosomal dominant inheritance. Affected: yes.
Comment: The missense variant c.7219T>C (p.Tyr2407His) in ZNF292 gene has not been reported previously as a pathogenic variant nor as a benign variant, to our knowledge. The p.Tyr2407His variant is novel (not in any individuals) in gnomAD Exomes and 1000 Genomes. The amino acid Tyr at position 2407 is changed to a His changing protein sequence and it might alter its composition and physico-chemical properties. The variant is predicted to be damaging by both SIFT and PolyPhen2. The residue is conserved across species. The amino acid change p.Tyr2407His in ZNF292 is predicted as conserved by GERP++ and PhyloP across 100 vertebrates. For these reasons, this variant has been classified as Uncertain Significance.

NM_015021.3(ZNF292):c.7219T>C (p.Tyr2407His)

Gene: ZNF292 (zinc finger protein 292; plus strand). Cytogenetic location: 6q14.3.
Variant type: single nucleotide variant.
Coding change: c.7219T>C on transcript NM_015021.3 (MANE Select); coding-DNA position 7219, T replaced by C.
Protein change: p.Tyr2407His; replaces tyrosine 2407 with histidine.
Molecular consequence: missense variant.
Genome position (GRCh38, 1-based): chr6:87,260,848, T>C. VCF-style: chr6-87260848-T-C. GRCh37 (hg19) VCF-style: chr6-87970566-T-C.
Other names: c.6799T>C, p.Tyr2267His (NM_001351444.2); short protein forms Y2267H, Y2407H.
Identifiers: ClinVar variation 2585375 (VCV002585375.1), dbSNP rs2482368091, ClinGen allele CA364942797.
Genomic context (GRCh38, chr6:87,260,848, plus strand): 5'-CCATGTATGATAAAGGGATGTACTTCAGTTGTTACAAGTGAAAGCAATATAATTAGACAT[T>C]ATAAGTGCCATAAATTATCTAAGGCATTTACATCACAACACCGAAATCTTCTTATTGTAT-3'
Protein context (NP_055836.1, residues 2397-2417): VTSESNIIRH[Tyr2407His]KCHKLSKAFT